The following continues an entry in ClinVar:

NM_004333.6(BRAF):c.1455G>C (p.Leu485Phe)

Gene: BRAF. ClinVar aggregate classification (germline): Pathogenic. Pathogenic (1).

Submissions 8 to 12 of 12:

Women's Health and Genetics/Laboratory Corporation of America, LabCorp
Classification: Pathogenic for Cardio-facio-cutaneous syndrome. Last evaluated: 2021-09-26. Review status: criteria provided, single submitter. Criteria: LabCorp Variant Classification Summary - May 2015. Collection method: clinical testing. Allele origin: germline. Not counted in ClinVar's aggregate classification.
Comment: Variant summary: BRAF c.1455G>C (p.Leu485Phe) results in a non-conservative amino acid change located in the Protein kinase domain (IPR000719) of the encoded protein sequence. Three of five in-silico tools predict a damaging effect of the variant on protein function. The variant was absent in 251326 control chromosomes. c.1455G>C has been widely reported in the literature in individuals affected with Cardiofaciocutaneous Syndrome (example, Niihori_2006, Sarkozy_2009, Rodiguez-Viciana_2008). These data indicate that the variant is likely to be associated with disease. At least two publications report experimental evidence evaluating an impact on protein function. The most pronounced variant effect results in an activated ERK pathway (Niihori_2006) and an increased kinase activity compared to wild-type in a MEK-ERK MBP phosphorylation assay (Rodriguez-Viciana_2008), both findings consistent with the established gain of function mechanism of disease. Multiple clinical diagnostic laboratories and an expert panel (ClinGen RASopathy Variant Curation Expert Panel) have submitted clinical-significance assessments for this variant to ClinVar after 2014 without evidence for independent evaluation. All submitters classified the variant as pathogenic. Based on the evidence outlined above, the variant was classified as pathogenic.

CeGaT Center for Human Genetics Tuebingen
Classification: Pathogenic. Last evaluated: 2021-08-01. Review status: criteria provided, single submitter. Criteria: CeGaT Center For Human Genetics Tuebingen Variant Classification Criteria Version 2. Collection method: clinical testing. Allele origin: germline. Affected: yes. Observed: 2 variant alleles. Not counted in ClinVar's aggregate classification.

Laboratory for Molecular Medicine, Mass General Brigham Personalized Medicine
Classification: Pathogenic for Noonan syndrome; Cardio-facio-cutaneous syndrome. Last evaluated: 2014-10-21. Review status: no assertion criteria provided. Collection method: clinical testing. Allele origin: germline. Observed: 2 variant alleles. Not counted in ClinVar's aggregate classification.
Comment: The c.1455G>C (p.Leu485Phe) variant in BRAF has been previously identified in fo ur individuals with clinical features of a RASopathy (Niihori 2006, Rodriguez-Vi ciana 2006, LMM unpublished data). It was absent from large population studies (dbSNP rs180177036). In vitro func tional studies provide some evidence that the p.Leu485Phe variant may impact pro tein function by increasing its kinase activity (Rodriguez-Viciana 2008). Howeve r, these types of assays may not accurately represent biological function. In s ummary, this variant meets our criteria to be classified as pathogenic.

OMIM
Classification: Pathogenic for CARDIOFACIOCUTANEOUS SYNDROME 1. Last evaluated: 2006-03-01. Review status: no assertion criteria provided. Collection method: literature only. Allele origin: germline. Not counted in ClinVar's aggregate classification.

GeneReviews
No classification provided. Condition: Cardio-facio-cutaneous syndrome. Review status: no classification provided. Collection method: literature only. Allele origin: germline. Affected: yes. Not counted in ClinVar's aggregate classification.

Literature cited by the submitters: PubMed 18413255 (cited by 5 submitters); PubMed 19206169 (cited by 4 submitters); PubMed 16474404 (cited by 6 submitters); PubMed 16439621 (cited by Ambry Genetics and Laboratory for Molecular Medicine, Mass General Brigham Personalized Medicine); PubMed 18039235 (cited by Ambry Genetics); PubMed 31292302 (cited by Ambry Genetics); PubMed 28524057 (cited by Labcorp Genetics (formerly Invitae), Labcorp); PubMed 24920063 (cited by Women's Health and Genetics/Laboratory Corporation of America, LabCorp); PubMed 24446311 (cited by Women's Health and Genetics/Laboratory Corporation of America, LabCorp); PubMed 26732095 (cited by Women's Health and Genetics/Laboratory Corporation of America, LabCorp); PubMed 28947956 (cited by Women's Health and Genetics/Laboratory Corporation of America, LabCorp); PubMed 27276561 (cited by Women's Health and Genetics/Laboratory Corporation of America, LabCorp); PubMed 18953432 (cited by Laboratory for Molecular Medicine, Mass General Brigham Personalized Medicine); NCBI Bookshelf NBK1186 (cited by GeneReviews).